The following is an entry in ClinVar:

NM_032816.5(CEP89):c.115C>T (p.Arg39Cys)

Gene: CEP89 (centrosomal protein 89; minus strand). Cytogenetic location: 19q13.11.
Variant type: single nucleotide variant.
Coding change: c.115C>T on transcript NM_032816.5 (MANE Select); coding-DNA position 115, C replaced by T.
Protein change: p.Arg39Cys; replaces arginine 39 with cysteine.
Molecular consequence: missense variant.
Genome position (GRCh38, 1-based): chr19:32,966,391, G>A on the plus strand (C>T on the coding strand, the complement: CEP89 is on the minus strand). VCF-style: chr19-32966391-G-A. GRCh37 (hg19) VCF-style: chr19-33457297-G-A.
Other names: short protein forms R39C.
Identifiers: ClinVar variation 3625921 (VCV003625921.2).

ClinVar aggregate classification (germline): Uncertain significance (1 of 4 stars; one submission).

Submission:

Labcorp Genetics (formerly Invitae), Labcorp
Classification: Uncertain significance. Last evaluated: 2025-03-31. Review status: criteria provided, single submitter. Criteria: Invitae Variant Classification Sherloc (09022015). Collection method: clinical testing. Allele origin: germline.
Comment: This sequence change replaces arginine, which is basic and polar, with cysteine, which is neutral and slightly polar, at codon 39 of the CEP89 protein (p.Arg39Cys). This variant is present in population databases (rs199662527, gnomAD 0.0009%). This variant has not been reported in the literature in individuals affected with CEP89-related conditions. An algorithm developed to predict the effect of missense changes on protein structure and function (PolyPhen-2) suggests that this variant is likely to be disruptive. In summary, the available evidence is currently insufficient to determine the role of this variant in disease. Therefore, it has been classified as a Variant of Uncertain Significance.